The following is an entry in ClinVar:

ClinVar aggregate classification (germline): Uncertain significance (1 of 4 stars; one submission).

Conditions:
Familial adenomatous polyposis 1 (FAP1). Also called: FAMILIAL ADENOMATOUS POLYPOSIS 1, ATTENUATED; POLYPOSIS, ADENOMATOUS INTESTINAL. Identifiers: MedGen C2713442, MONDO:0021056, OMIM 175100. Disease mechanism: loss of function.

Submission:

Labcorp Genetics (formerly Invitae), Labcorp
Classification: Uncertain significance for Familial adenomatous polyposis 1. Last evaluated: 2023-10-08. Review status: criteria provided, single submitter. Criteria: Invitae Variant Classification Sherloc (09022015). Collection method: clinical testing. Allele origin: germline.
Comment: This variant occurs in a non-coding region of the APC gene. It does not change the encoded amino acid sequence of the APC protein. This variant is not present in population databases (gnomAD no frequency). This variant has not been reported in the literature in individuals affected with APC-related conditions. Experimental studies and prediction algorithms are not available or were not evaluated, and the functional significance of this variant is currently unknown. In summary, the available evidence is currently insufficient to determine the role of this variant in disease. Therefore, it has been classified as a Variant of Uncertain Significance.

NM_001127511.3(APC):c.-3C>T

Gene: APC (APC regulator of Wnt signaling pathway; plus strand). Cytogenetic location: 5q22.2.
Variant type: single nucleotide variant.
Coding change: c.-3C>T on transcript NM_001127511.3; 3 bases upstream of the start codon, C replaced by T.
Molecular consequence: 5 prime UTR variant. On other transcripts: non-coding transcript variant (1), intron variant (5).
Genome position (GRCh38, 1-based): chr5:112,707,715, C>T. VCF-style: chr5-112707715-C-T. GRCh37 (hg19) VCF-style: chr5-112043412-C-T.
Other names: c.-186C>T (NM_001354895.2, NM_001407447.1, NM_001407452.1 and 3 more transcripts); c.-3C>T (NM_001354897.2, NM_001354902.2, NM_001407446.1); c.-1221C>T (NM_001407470.1, NM_001407472.1); c.-19+66C>T (NM_001407448.1, NM_001407450.1, NM_001407457.1 and 1 more transcripts); c.-43+66C>T (NM_001407453.1).
Identifiers: ClinVar variation 1509919 (VCV001509919.6), dbSNP rs771410311, ClinGen allele CA2573138799.